The following is an entry in ClinVar:

ClinVar aggregate classification (germline): Uncertain significance (1 of 4 stars; one submission).

Submission:

Ambry Genetics
Classification: Uncertain significance. Last evaluated: 2026-04-02. Review status: criteria provided, single submitter. Criteria: Ambry Variant Classification Scheme 2023. Collection method: clinical testing. Allele origin: germline.
Comment: The p.G1425V variant (also known as c.4274G>T), located in coding exon 19 of the WNK2 gene, results from a G to T substitution at nucleotide position 4274. The glycine at codon 1425 is replaced by valine, an amino acid with dissimilar properties. This amino acid position is conserved. In addition, this alteration is predicted to be tolerated by in silico analysis. Based on the available evidence, the clinical significance of this variant remains unclear.

NM_006648.4(WNK2):c.4274G>T (p.Gly1425Val)

Gene: WNK2 (WNK lysine deficient protein kinase 2; plus strand). Cytogenetic location: 9q22.31.
Variant type: single nucleotide variant.
Coding change: c.4274G>T on transcript NM_006648.4 (MANE Select); coding-DNA position 4274, G replaced by T.
Protein change: p.Gly1425Val; replaces glycine 1425 with valine.
Molecular consequence: missense variant.
Genome position (GRCh38, 1-based): chr9:93,289,028, G>T. VCF-style: chr9-93289028-G-T. GRCh37 (hg19) VCF-style: chr9-96051310-G-T.
Other names: c.4385G>T, p.Gly1462Val (NM_001282394.3); short protein forms G1425V, G1462V.
Identifiers: ClinVar variation 4866559 (VCV004866559.1).